The following is an entry in ClinVar:

ClinVar aggregate classification (germline): Uncertain significance. Review status: criteria provided, single submitter (1 of 4 stars). 2 submissions from 2 submitters: Uncertain significance (1). 1 of the submissions does not count toward it. Last evaluated 2019-02-05.

Conditions:
Usher syndrome type 1B (USH1B). Also called: Usher syndrome type IB. Identifiers: MedGen C1848638, MONDO:0700087.

Submissions (2):

Laboratory for Molecular Medicine, Mass General Brigham Personalized Medicine
Classification: Uncertain significance. Last evaluated: 2019-02-05. Review status: criteria provided, single submitter. Criteria: LMM Criteria. Collection method: clinical testing. Allele origin: germline. Observed: 1 variant allele.
Comment: The p.Lys879Thr variant in MYO7A has not been previously reported in individuals with hearing loss or Usher syndrome and was absent from large population studies. Computational prediction tools and conservation analysis suggest that this variant may not impact the protein, though this information is not predictive enough to rule out pathogenicity. In summary, the clinical significance of this variant is uncertain. ACMG/AMP Criteria applied: PM2, BP4.

Natera, Inc.
Classification: Uncertain significance for Usher syndrome type 1B. Last evaluated: 2021-03-28. Review status: no assertion criteria provided. Collection method: clinical testing. Allele origin: germline. Not counted in ClinVar's aggregate classification.

NM_000260.4(MYO7A):c.2636A>C (p.Lys879Thr)

Gene: MYO7A (myosin VIIA; plus strand). Cytogenetic location: 11q13.5.
Variant type: single nucleotide variant.
Coding change: c.2636A>C on transcript NM_000260.4 (MANE Select); coding-DNA position 2636, A replaced by C.
Protein change: p.Lys879Thr; replaces lysine 879 with threonine.
Molecular consequence: missense variant.
Genome position (GRCh38, 1-based): chr11:77,180,423, A>C. VCF-style: chr11-77180423-A-C. GRCh37 (hg19) VCF-style: chr11-76891469-A-C.
Other names: c.2636A>C, p.Lys879Thr (NM_001127180.2); c.2603A>C, p.Lys868Thr (NM_001369365.1); short protein forms K868T, K879T.
Identifiers: ClinVar variation 667284 (VCV000667284.6), dbSNP rs1591374351, ClinGen allele CA381942346.
Genomic context (GRCh38, chr11:77,180,423, plus strand): 5'-CCTTCCCTCAGTATCTGTGGCGCCTCGAGGCTGAGAAAATGCGGCTGGCGGAGGAAGAGA[A>C]GCTTCGGAAGGAGATGAGCGCCAAGAAGGCCAAGGAGGAGGCCGAGCGCAAGCATCAGGT-3'
Protein context (NP_000251.3, residues 869-889): AEKMRLAEEE[Lys879Thr]LRKEMSAKKA